The following is an entry in ClinVar:

ClinVar aggregate classification (germline): Pathogenic (1 of 4 stars; one submission).

Submission:

ISCA site 4
Classification: Pathogenic. Last evaluated: 2011-08-12. Review status: criteria provided, single submitter. Criteria: Kaminsky et al. (Genet Med. 2011). Collection method: clinical testing. Allele origin: unknown. Affected: yes. Observed: 1 variant allele.
Comment: Copy number variation identified through the course of routine clinical cytogenomic testing in postnatal populations. Clinical assertions have been curated as described in Kaminsky et al. 2011.

GRCh38/hg38 15q14(chr15:34995451-39735062)x1

Genes: CDIN1 (CDAN1 interacting nuclease 1; plus strand), DPH6 (diphthamine biosynthesis 6; minus strand), DPH6-DT (DPH6 divergent transcript; plus strand), FAM98B (family with sequence similarity 98 member B; plus strand), FSIP1 (fibrous sheath interacting protein 1; minus strand) and 89 more. Cytogenetic location: 15q14.
Variant type: copy number loss.
Change: copy number 1 (one copy instead of two) of chr15:34,995,451-39,735,062 (4.74 Mb, GRCh38 coordinates, 1-based), cytogenetic band 15q14.
Identifiers: ClinVar variation 57226 (VCV000057226.1).